The following is an entry in ClinVar:

ClinVar aggregate classification (germline): Likely pathogenic (1 of 4 stars; one submission).

Conditions:
Nemaline myopathy 2 (NEM2). Also called: Nemaline myopathy 2, autosomal recessive. Identifiers: MedGen C1850569, MONDO:0009725, OMIM 256030.

Submission:

Labcorp Genetics (formerly Invitae), Labcorp
Classification: Likely pathogenic for Nemaline myopathy 2. Last evaluated: 2023-12-02. Review status: criteria provided, single submitter. Criteria: Invitae Variant Classification Sherloc (09022015). Collection method: clinical testing. Allele origin: germline.
Comment: This sequence change affects an acceptor splice site in intron 175 of the NEB gene. It is expected to disrupt RNA splicing. Variants that disrupt the donor or acceptor splice site typically lead to a loss of protein function (PMID: 16199547), and loss-of-function variants in NEB are known to be pathogenic (PMID: 25205138). This variant is not present in population databases (gnomAD no frequency). This variant has not been reported in the literature in individuals affected with NEB-related conditions. ClinVar contains an entry for this variant (Variation ID: 660317). Algorithms developed to predict the effect of sequence changes on RNA splicing suggest that this variant may disrupt the consensus splice site. In summary, the currently available evidence indicates that the variant is pathogenic, but additional data are needed to prove that conclusively. Therefore, this variant has been classified as Likely Pathogenic.

Literature cited by the submitters: PubMed 16199547; PubMed 25205138.

NM_001164508.2(NEB):c.24580-1G>C

Genes: NEB (nebulin; minus strand), RIF1 (replication timing regulatory factor 1; plus strand). Cytogenetic location: 2q23.3.
Variant type: single nucleotide variant.
Coding change: c.24580-1G>C on transcript NM_001164508.2 (MANE Select); the canonical splice acceptor site of the intron before coding-DNA position 24580, G replaced by C.
Molecular consequence: splice acceptor variant.
Genome position (GRCh38, 1-based): chr2:151,493,868, C>G on the plus strand (G>C on the coding strand, the complement: NEB is on the minus strand). VCF-style: chr2-151493868-C-G. GRCh37 (hg19) VCF-style: chr2-152350382-C-G.
Other names: c.19012-1G>C (NM_004543.5); c.24580-1G>C (NM_001164507.2); c.24685-1G>C (NM_001271208.2).
Identifiers: ClinVar variation 660317 (VCV000660317.7), dbSNP rs1574772311, ClinGen allele CA348775776.